The following is an entry in ClinVar:

NM_000116.5(TAFAZZIN):c.109+1G>A

Genes: DNASE1L1 (deoxyribonuclease 1 like 1; minus strand), TAFAZZIN (tafazzin, phospholipid-lysophospholipid transacylase; plus strand), LOC130068869 (ATAC-STARR-seq lymphoblastoid silent region 21101; plus strand). Cytogenetic location: Xq28.
Variant type: single nucleotide variant.
Coding change: c.109+1G>A on transcript NM_000116.5 (MANE Select); the canonical splice donor site of the intron after coding-DNA position 109, G replaced by A.
Molecular consequence: splice donor variant. On other transcripts: 5 prime UTR variant (3), missense variant (4).
Genome position (GRCh38, 1-based): chrX:154,411,953, G>A. VCF-style: chrX-154411953-G-A. GRCh37 (hg19) VCF-style: chrX-153640290-G-A.
Other names: c.-493C>T (NM_001009932.3); c.-235C>T (NM_001009933.3); c.-150C>T (NM_001009934.3); c.110G>A, p.Ser37Asn (NM_001303465.2, NM_001410698.1, NM_001440856.1 and 1 more transcripts); c.109+1G>A (NM_181312.4, NM_181311.4, NM_181313.4 and 1 more transcripts); short protein forms S37N.
Identifiers: ClinVar variation 4527096 (VCV004527096.1).
Genomic context (GRCh38, chrX:154,411,953, plus strand): 5'-GGACCCTGGCCAGCAGCGTCGTCATGGGCTTGGTGGGCACCTACAGCTGCTTCTGGACCA[G>A]TGAGTGGGCCCAGGCCGAGGCAGGCCCGCCCGGGTACCCATGCCCGGCCGGAGGTGGGAC-3'

ClinVar aggregate classification (germline): Pathogenic (1 of 4 stars; one submission).

Submission:

GeneDx
Classification: Pathogenic. Last evaluated: 2025-04-04. Review status: criteria provided, single submitter. Criteria: GeneDx Variant Classification Process June 2021. Collection method: clinical testing. Allele origin: germline. Affected: yes.
Comment: Canonical splice site variant predicted to result in a null allele in a gene for which loss of function is a known mechanism of disease; Not observed at significant frequency in large population cohorts (gnomAD); Has not been previously published as pathogenic or benign to our knowledge